The following is an entry in ClinVar:

ClinVar aggregate classification (germline): Pathogenic. Review status: criteria provided, multiple submitters, no conflicts (2 of 4 stars). 4 submissions from 4 submitters: Pathogenic (4). Last evaluated 2024-06-17.

Conditions:
Granulomatous disease, chronic, autosomal recessive, cytochrome b-negative. Also called: GRANULOMATOUS DISEASE, CHRONIC, AUTOSOMAL RECESSIVE, 4; CGD DUE TO DEFICIENCY OF THE ALPHA SUBUNIT OF CYTOCHROME b; CGD, AUTOSOMAL RECESSIVE CYTOCHROME b-NEGATIVE; Chronic granulomatous disease, autosomal, due to deficiency of CYBA; CYBA DEFICIENCY. Identifiers: Orphanet 379, MedGen C1856255, MONDO:0009308, OMIM 233690.

Submissions (4):

Fulgent Genetics
Classification: Pathogenic for Granulomatous disease, chronic, autosomal recessive, cytochrome b-negative. Last evaluated: 2024-06-17. Review status: criteria provided, single submitter. Criteria: ACMG Guidelines, 2015. Collection method: clinical testing. Allele origin: germline.

Myriad Genetics, Inc.
Classification: Pathogenic for Granulomatous disease, chronic, autosomal recessive, cytochrome b-negative. Last evaluated: 2024-05-14. Review status: criteria provided, single submitter. Criteria: Myriad Autosomal Dominant, Autosomal Recessive and X-Linked Classification Criteria (2023). Collection method: clinical testing. Allele origin: unknown.
Comment: NM_000101.3(CYBA):c.171delG(K58Rfs*16) is expected to be pathogenic in the context of chronic granulomatous disease, CYBA-related. This variant is predicted to lead to an abnormal or absent protein product due to the creation of a premature termination codon in CYBA, a gene where loss-of-function variants are known to be pathogenic. Please note: this variant was assessed in the context of healthy population screening.

Genome-Nilou Lab
Classification: Pathogenic for Granulomatous disease, chronic, autosomal recessive, cytochrome b-negative. Last evaluated: 2021-07-22. Review status: criteria provided, single submitter. Criteria: ACMG Guidelines, 2015. Collection method: clinical testing. Allele origin: germline. Affected: no.

CeGaT Center for Human Genetics Tuebingen
Classification: Pathogenic. Last evaluated: 2018-07-01. Review status: criteria provided, single submitter. Criteria: CeGaT Center For Human Genetics Tuebingen Variant Classification Criteria Version 2. Collection method: clinical testing. Allele origin: germline. Affected: yes. Observed: 2 variant alleles.

NM_000101.4(CYBA):c.171del (p.Lys58fs)

Gene: CYBA (cytochrome b-245 alpha chain; minus strand). Cytogenetic location: 16q24.2.
Variant type: Deletion.
Coding change: c.171del on transcript NM_000101.4 (MANE Select); coding-DNA position 171, one base deleted (G; older notation c.171delG).
Protein change: p.Lys58fs; shifts the reading frame from lysine 58.
Molecular consequence: frameshift variant.
Genome position (GRCh38, 1-based): chr16:88,647,133, C deleted on the plus strand (G on the coding strand, the reverse complement: CYBA is on the minus strand); the first of 5 consecutive C bases (chr16:88,647,133-88,647,137); deleting any one gives the same sequence. VCF-style (leftmost placement, unchanged base first): chr16-88647132-TC-T. GRCh37 (hg19) VCF-style: chr16-88713540-TC-T.
Other names: short protein forms K58fs.
Identifiers: ClinVar variation 872524 (VCV000872524.46), dbSNP rs763678131, ClinGen allele CA1139664865.
Genomic context (GRCh38, chr16:88,647,132, plus strand): 5'-GAGAGACCCCAGAGCAGGAGGAGACTCACCAGCGCTCCATGGTGGAGCCCTTCTTCCTCT[TC>T]CCCCGGGGGTACTCCAGCAGGCACACAAACACGCCCGCCACACTGAAGCCATGTGGTTAA-3'